The following is an entry in ClinVar:

NM_001384732.1(CPLANE1):c.7249C>T (p.Leu2417Phe)

Gene: CPLANE1 (ciliogenesis and planar polarity effector complex subunit 1; minus strand). Cytogenetic location: 5p13.2.
Variant type: single nucleotide variant.
Coding change: c.7249C>T on transcript NM_001384732.1 (MANE Select); coding-DNA position 7249, C replaced by T.
Protein change: p.Leu2417Phe; replaces leucine 2417 with phenylalanine.
Molecular consequence: missense variant.
Genome position (GRCh38, 1-based): chr5:37,167,198, G>A on the plus strand (C>T on the coding strand, the complement: CPLANE1 is on the minus strand). VCF-style: chr5-37167198-G-A. GRCh37 (hg19) VCF-style: chr5-37167300-G-A.
Other names: c.7249C>T, p.Leu2417Phe (NM_023073.4); short protein forms L2417F.
Identifiers: ClinVar variation 1520222 (VCV001520222.7), dbSNP rs1236306561, ClinGen allele CA359477312.

ClinVar aggregate classification (germline): Uncertain significance (1 of 4 stars; one submission).

Allele frequency attached by ClinVar (database versions not stated): gnomAD 0.00001; gnomAD exomes 0.00001 and 0.00002; TOPMed 0.00001.
gnomAD v4.1: 5 of 1,609,146 alleles (0.00031%); highest among the groups gnomAD compares: Admixed American, 0.0085%; no homozygotes.

Submission:

Labcorp Genetics (formerly Invitae), Labcorp
Classification: Uncertain significance. Last evaluated: 2022-11-22. Review status: criteria provided, single submitter. Criteria: Invitae Variant Classification Sherloc (09022015). Collection method: clinical testing. Allele origin: germline.
Comment: Advanced modeling of protein sequence and biophysical properties (such as structural, functional, and spatial information, amino acid conservation, physicochemical variation, residue mobility, and thermodynamic stability) performed at Invitae indicates that this missense variant is not expected to disrupt CPLANE1 protein function. In summary, the available evidence is currently insufficient to determine the role of this variant in disease. Therefore, it has been classified as a Variant of Uncertain Significance. ClinVar contains an entry for this variant (Variation ID: 1520222). This variant has not been reported in the literature in individuals affected with CPLANE1-related conditions. This variant is present in population databases (no rsID available, gnomAD 0.01%). This sequence change replaces leucine, which is neutral and non-polar, with phenylalanine, which is neutral and non-polar, at codon 2417 of the CPLANE1 protein (p.Leu2417Phe).